The following is an entry in ClinVar:

NM_001083603.3(PTCH1):c.75A>G (p.Pro25=)

Gene: PTCH1 (patched 1; minus strand). Cytogenetic location: 9q22.32.
Variant type: single nucleotide variant.
Coding change: c.75A>G on transcript NM_001083603.3 (MANE Plus Clinical); coding-DNA position 75, A replaced by G.
Protein change: p.Pro25=; no amino-acid change (proline 25 retained).
Molecular consequence: synonymous variant. On other transcripts: 5 prime UTR variant (2).
Genome position (GRCh38, 1-based): chr9:95,516,746, T>C on the plus strand (A>G on the coding strand, the complement: PTCH1 is on the minus strand). VCF-style: chr9-95516746-T-C. GRCh37 (hg19) VCF-style: chr9-98279028-T-C.
Other names: c.-275A>G (NM_001083602.3, NM_001354919.2).
Identifiers: ClinVar variation 3029103 (VCV003029103.2), dbSNP rs768959514, ClinGen allele CA5139120.
Genomic context (GRCh38, chr9:95,516,746, plus strand): 5'-TTCTTCTCCTCCTCCTCCGTCTTTACAAAAGGAACGGAAAGTGTAAAAACCCCGGCGCGC[T>C]GGGCCGCCGGAGGCTTTCGGCGGAGTGCAGCGCGGACTCACAATTACAAGCCTGTTTCTA-3'
Protein context (NP_001077072.1, residues 15-35): RCTPPKASGG[Pro25=]ARRGFYTFRS

ClinVar aggregate classification (germline): Likely benign (0 of 4 stars; one submission).

Conditions:
PTCH1-related disorder. Also called: PTCH1-related disorders; PTCH1-related condition.

Allele frequency attached by ClinVar (database versions not stated): gnomAD exomes 0.00001.
gnomAD v4.1: 8 of 1,601,834 alleles (0.0005%); highest among the groups gnomAD compares: Non-Finnish European, 0.00051%; no homozygotes.

Submission:

PreventionGenetics, part of Exact Sciences
Classification: Likely benign for PTCH1-related condition. Last evaluated: 2022-07-18. Review status: no assertion criteria provided. Collection method: clinical testing. Allele origin: germline.
Comment: This variant is classified as likely benign based on ACMG/AMP sequence variant interpretation guidelines (Richards et al. 2015 PMID: 25741868, with internal and published modifications).